The following is an entry in ClinVar:

NM_001042492.3(NF1):c.5552C>A (p.Pro1851His)

Gene: NF1 (neurofibromin 1; plus strand). Cytogenetic location: 17q11.2.
Variant type: single nucleotide variant.
Coding change: c.5552C>A on transcript NM_001042492.3 (MANE Select); coding-DNA position 5552, C replaced by A.
Protein change: p.Pro1851His; replaces proline 1851 with histidine.
Molecular consequence: missense variant.
Genome position (GRCh38, 1-based): chr17:31,327,782, C>A. VCF-style: chr17-31327782-C-A. GRCh37 (hg19) VCF-style: chr17-29654800-C-A.
Other names: c.5489C>A, p.Pro1830His (NM_000267.4); short protein forms P1830H, P1851H.
Identifiers: ClinVar variation 2647639 (VCV002647639.24), dbSNP rs1555533638, ClinGen allele CA399009878.

ClinVar aggregate classification (germline): Likely pathogenic (1 of 4 stars; one submission).

Submission:

CeGaT Center for Human Genetics Tuebingen
Classification: Likely pathogenic. Last evaluated: 2023-10-01. Review status: criteria provided, single submitter. Criteria: CeGaT Center For Human Genetics Tuebingen Variant Classification Criteria Version 2. Collection method: clinical testing. Allele origin: germline. Affected: yes. Observed: 1 variant allele.
Comment: NF1: PM1, PM2, PM5, PP2, PP3